The following is an entry in ClinVar:

ClinVar aggregate classification (germline): Likely pathogenic (1 of 4 stars; one submission).

Conditions:
Alstrom syndrome (ALMS). Identifiers: Orphanet 64, MedGen C0268425, MONDO:0008763, OMIM 203800.

Submission:

Myriad Genetics, Inc.
Classification: Likely pathogenic for Alstrom syndrome. Last evaluated: 2022-02-25. Review status: criteria provided, single submitter. Criteria: Myriad Women's Health Autosomal Recessive and X-Linked Classification Criteria (2021). Collection method: clinical testing. Allele origin: unknown.
Comment: NM_015120.4(ALMS1):c.5242C>T(Q1748*) is expected to be pathogenic in the context of Alstrom syndrome. This variant is predicted to lead to an abnormal or absent protein product due to the creation of a premature termination codon in ALMS1, a gene where loss-of-function variants are known to be pathogenic. Please note: this variant was assessed in the context of healthy population screening.

NM_001378454.1(ALMS1):c.5239C>T (p.Gln1747Ter)

Gene: ALMS1 (ALMS1 centrosome and basal body associated protein; plus strand). Cytogenetic location: 2p13.1.
Variant type: single nucleotide variant.
Coding change: c.5239C>T on transcript NM_001378454.1 (MANE Select); coding-DNA position 5239, C replaced by T.
Protein change: p.Gln1747Ter; replaces glutamine 1747 with a stop codon.
Molecular consequence: nonsense.
Genome position (GRCh38, 1-based): chr2:73,451,766, C>T. VCF-style: chr2-73451766-C-T. GRCh37 (hg19) VCF-style: chr2-73678893-C-T.
Other names: c.5242C>T, p.Gln1748Ter (NM_015120.4); short protein forms Q1747*, Q1748*.
Identifiers: ClinVar variation 1724738 (VCV001724738.2), dbSNP rs2466104326, ClinGen allele CA347280518.